The following is an entry in ClinVar:

NM_024915.4(GRHL2):c.193G>A (p.Gly65Ser)

Gene: GRHL2 (grainyhead like transcription factor 2; plus strand). Cytogenetic location: 8q22.3.
Variant type: single nucleotide variant.
Coding change: c.193G>A on transcript NM_024915.4 (MANE Select); coding-DNA position 193, G replaced by A.
Protein change: p.Gly65Ser; replaces glycine 65 with serine.
Molecular consequence: missense variant.
Genome position (GRCh38, 1-based): chr8:101,543,413, G>A. VCF-style: chr8-101543413-G-A. GRCh37 (hg19) VCF-style: chr8-102555641-G-A.
Other names: c.145G>A, p.Gly49Ser (NM_001330593.2); c.193G>A (NM_024915.3); short protein forms G65S, G49S.
Identifiers: ClinVar variation 2106663 (VCV002106663.5), dbSNP rs1440566501, ClinGen allele CA371643401.

ClinVar aggregate classification (germline): Uncertain significance. Review status: criteria provided, single submitter (1 of 4 stars). 2 submissions from 2 submitters: Uncertain significance (1). 1 of the submissions does not count toward it. Last evaluated 2022-12-03.

Conditions:
GRHL2-related disorder. Also called: GRHL2-related disorders; GRHL2-related condition.

Allele frequency attached by ClinVar (database versions not stated): gnomAD exomes 0.00001; TOPMed 0.00002; gnomAD 0.00003.
gnomAD v4.1: 15 of 1,613,824 alleles (0.00093%); highest among the groups gnomAD compares: African/African-American, 0.0093%; no homozygotes.

Submissions (2):

Labcorp Genetics (formerly Invitae), Labcorp
Classification: Uncertain significance. Last evaluated: 2022-12-03. Review status: criteria provided, single submitter. Criteria: Invitae Variant Classification Sherloc (09022015). Collection method: clinical testing. Allele origin: germline.
Comment: In summary, the available evidence is currently insufficient to determine the role of this variant in disease. Therefore, it has been classified as a Variant of Uncertain Significance. Algorithms developed to predict the effect of missense changes on protein structure and function are either unavailable or do not agree on the potential impact of this missense change (SIFT: "Tolerated"; PolyPhen-2: "Probably Damaging"; Align-GVGD: "Class C0"). This variant has not been reported in the literature in individuals affected with GRHL2-related conditions. This variant is present in population databases (no rsID available, gnomAD 0.02%). This sequence change replaces glycine, which is neutral and non-polar, with serine, which is neutral and polar, at codon 65 of the GRHL2 protein (p.Gly65Ser).

PreventionGenetics, part of Exact Sciences
Classification: Uncertain significance for GRHL2-related condition. Last evaluated: 2024-05-23. Review status: no assertion criteria provided. Collection method: clinical testing. Allele origin: germline. Not counted in ClinVar's aggregate classification.
Comment: The GRHL2 c.193G>A variant is predicted to result in the amino acid substitution p.Gly65Ser. To our knowledge, this variant has not been reported in the literature. This variant is reported in 0.016% of alleles in individuals of African descent in gnomAD. At this time, the clinical significance of this variant is uncertain due to the absence of conclusive functional and genetic evidence.